The following continues an entry in ClinVar:

NM_172362.3(KCNH1):c.1070G>A (p.Arg357Gln)

Gene: KCNH1. ClinVar aggregate classification (germline): Pathogenic/Likely pathogenic. Pathogenic (15); Likely pathogenic (1).

Submissions 14 to 20 of 20:

Ambry Genetics
Classification: Pathogenic for Inborn genetic diseases. Last evaluated: 2016-04-22. Review status: criteria provided, single submitter. Criteria: Ambry exome assertion method (8-5-2015). Collection method: clinical testing. Allele origin: germline. Affected: yes. Observed: 2 variant alleles.

CENTOGENE GmbH and LLC - Guiding Precision Medicine
Classification: Pathogenic for Zimmermann-Laband syndrome 1. Review status: criteria provided, single submitter. Criteria: ACMG Guidelines, 2015. Collection method: clinical testing. Allele origin: de novo. Affected: yes.

Neuberg Centre For Genomic Medicine, NCGM
Classification: Pathogenic for Zimmermann-Laband syndrome 1. Review status: criteria provided, single submitter. Criteria: ACMG Guidelines, 2015. Collection method: clinical testing. Allele origin: germline. Affected: yes.
Comment: The missense variant p.R357Q in KCNH1 (NM_172362.3) causes the same amino acid change as a previously established pathogenic variant. This variant has been reported in multiple unrelated individuals as a de novo variant (Fukai R et al,Bramswig NC et al). The variant has been submitted to ClinVar as Pathogenic/Likely Pathogenic.The p.R357Q variant is novel (not in any individuals) in gnomAD Exomes and is novel (not in any individuals) in 1000 Genomes.The p.R357Q missense variant is predicted to be damaging by both SIFT and PolyPhen2. The arginine residue at codon 357 of KCNH1 is conserved in all mammalian species. The nucleotide c.1070 in KCNH1 is predicted conserved by GERP++ and PhyloP across 100 vertebrates. For these reasons, this variant has been classified as Pathogenic.

Clinical Genetics DNA and cytogenetics Diagnostics Lab, Erasmus MC, Erasmus Medical Center
Classification: Pathogenic. Review status: no assertion criteria provided. Collection method: clinical testing. Allele origin: germline. Affected: yes. Study: VKGL Data-share Consensus. Not counted in ClinVar's aggregate classification.

Diagnostic Laboratory, Strasbourg University Hospital
Classification: Pathogenic for Seizure. Review status: no assertion criteria provided. Collection method: clinical testing. Allele origin: de novo. Affected: yes. Observed: 1 heterozygote. Not counted in ClinVar's aggregate classification.

Joint Genome Diagnostic Labs from Nijmegen and Maastricht, Radboudumc and MUMC+
Classification: Pathogenic. Review status: no assertion criteria provided. Collection method: clinical testing. Allele origin: germline. Affected: yes. Study: VKGL Data-share Consensus. Not counted in ClinVar's aggregate classification.

NIHR Bioresource Rare Diseases, University of Cambridge
Classification: Likely pathogenic for Seizure; Severe intellectual disability; Abnormal facial shape. Review status: no assertion criteria provided. Collection method: research. Allele origin: unknown. Affected: yes. Observed: 1 variant allele. Not counted in ClinVar's aggregate classification.

Literature cited by the submitters: PubMed 36285361 (cited by Dasa); PubMed 26818738 (cited by 5 submitters); PubMed 26264464 (cited by 4 submitters); PubMed 33594261 (cited by Women's Health and Genetics/Laboratory Corporation of America, LabCorp); PubMed 38764027 (cited by Women's Health and Genetics/Laboratory Corporation of America, LabCorp); PubMed 23020937 (cited by Labcorp Genetics (formerly Invitae), Labcorp); PubMed 32860008 (cited by CENTOGENE GmbH and LLC - Guiding Precision Medicine); PubMed 32581362 (cited by NIHR Bioresource Rare Diseases, University of Cambridge).